The following is an entry in ClinVar:

NM_014476.6(PDLIM3):c.319_324del (p.Ser107_Glu108del)

Gene: PDLIM3 (PDZ and LIM domain 3; minus strand). Cytogenetic location: 4q35.1.
Variant type: Deletion.
Coding change: c.319_324del on transcript NM_014476.6 (MANE Select); coding-DNA positions 319 to 324, 6 bases deleted (TCAGAA; older notation c.319_324delTCAGAA).
Protein change: p.Ser107_Glu108del.
Molecular consequence: inframe deletion. On other transcripts: non-coding transcript variant (1), intron variant (1).
Genome position (GRCh38, 1-based): chr4:185,523,368-185,523,373, TTCTGA deleted on the plus strand (TCAGAA on the coding strand, the reverse complement: PDLIM3 is on the minus strand); deleting any 6 consecutive bases within chr4:185,523,368-185,523,377 gives the same sequence; the c. name uses the placement nearest the transcript's 3' end. VCF-style (leftmost placement, unchanged base first): chr4-185523367-GTTCTGA-G. GRCh37 (hg19) VCF-style: chr4-186444521-GTTCTGA-G.
Other names: c.319_324del, p.Ser107_Glu108del (NM_001114107.5, NM_001257962.2); c.94-9036_94-9031del (NM_001257963.2).
Identifiers: ClinVar variation 2926030 (VCV002926030.3), dbSNP rs1271496113, ClinGen allele CA792277776.

ClinVar aggregate classification (germline): Uncertain significance (1 of 4 stars; one submission).

Conditions:
Primary dilated cardiomyopathy (DCM). Also called: Dilated Cardiomyopathy. Identifiers: Orphanet 217604, MedGen C0007193, MeSH D002311, MONDO:0005021, HP:0001644. Inheritance: Various modes of inheritance.
Hypertrophic cardiomyopathy. Also called: HYPERTROPHIC MYOCARDIOPATHY. Identifiers: Orphanet 217569, MedGen C0007194, MeSH D002312, MONDO:0005045, HP:0001639.

Submission:

Labcorp Genetics (formerly Invitae), Labcorp
Classification: Uncertain significance for Hypertrophic cardiomyopathy; Primary dilated cardiomyopathy. Last evaluated: 2023-11-20. Review status: criteria provided, single submitter. Criteria: Invitae Variant Classification Sherloc (09022015). Collection method: clinical testing. Allele origin: germline.
Comment: This variant, c.319_324del, results in the deletion of 2 amino acid(s) of the PDLIM3 protein (p.Ser107_Glu108del), but otherwise preserves the integrity of the reading frame. This variant is not present in population databases (gnomAD no frequency). This variant has not been reported in the literature in individuals affected with PDLIM3-related conditions. Experimental studies and prediction algorithms are not available or were not evaluated, and the functional significance of this variant is currently unknown. In summary, the available evidence is currently insufficient to determine the role of this variant in disease. Therefore, it has been classified as a Variant of Uncertain Significance.